The following is an entry in ClinVar:

ClinVar aggregate classification (germline): Uncertain significance (1 of 4 stars; one submission).

Conditions:
Inborn genetic diseases. Identifiers: MedGen C0950123, MeSH D030342.

gnomAD v4.1: 27 of 1,613,652 alleles (0.0017%); highest among the groups gnomAD compares: Non-Finnish European, 0.0023%; no homozygotes.

Submission:

Ambry Genetics
Classification: Uncertain significance for Inborn genetic diseases. Last evaluated: 2024-05-07. Review status: criteria provided, single submitter. Criteria: Ambry Variant Classification Scheme 2023. Collection method: clinical testing. Allele origin: germline.
Comment: The p.H365Q variant (also known as c.1095C>A), located in coding exon 9 of the LRRK2 gene, results from a C to A substitution at nucleotide position 1095. The histidine at codon 365 is replaced by glutamine, an amino acid with highly similar properties. This amino acid position is conserved. In addition, this alteration is predicted to be tolerated by in silico analysis. Since supporting evidence is limited at this time, the clinical significance of this alteration remains unclear.

NM_198578.4(LRRK2):c.1095C>A (p.His365Gln)

Gene: LRRK2 (leucine rich repeat kinase 2; plus strand). Cytogenetic location: 12q12.
Variant type: single nucleotide variant.
Coding change: c.1095C>A on transcript NM_198578.4 (MANE Select); coding-DNA position 1095, C replaced by A.
Protein change: p.His365Gln; replaces histidine 365 with glutamine.
Molecular consequence: missense variant.
Genome position (GRCh38, 1-based): chr12:40,251,368, C>A. VCF-style: chr12-40251368-C-A. GRCh37 (hg19) VCF-style: chr12-40645170-C-A.
Other names: short protein forms H365Q.
Identifiers: ClinVar variation 1790353 (VCV001790353.3), dbSNP rs144975499, ClinGen allele CA235357480.